The following is an entry in ClinVar:

NM_001430.5(EPAS1):c.1897G>A (p.Gly633Ser)

Gene: EPAS1 (endothelial PAS domain protein 1; plus strand). Cytogenetic location: 2p21.
Variant type: single nucleotide variant.
Coding change: c.1897G>A on transcript NM_001430.5 (MANE Select); coding-DNA position 1897, G replaced by A.
Protein change: p.Gly633Ser; replaces glycine 633 with serine.
Molecular consequence: missense variant.
Genome position (GRCh38, 1-based): chr2:46,380,569, G>A. VCF-style: chr2-46380569-G-A. GRCh37 (hg19) VCF-style: chr2-46607708-G-A.
Other names: short protein forms G633S.
Identifiers: ClinVar variation 3508935 (VCV003508935.1).

ClinVar aggregate classification (germline): Uncertain significance (1 of 4 stars; one submission).

Conditions:
Inborn genetic diseases. Identifiers: MedGen C0950123, MeSH D030342.

Submission:

Ambry Genetics
Classification: Uncertain significance for Inborn genetic diseases. Last evaluated: 2024-07-03. Review status: criteria provided, single submitter. Criteria: Ambry Variant Classification Scheme 2023. Collection method: clinical testing. Allele origin: germline.
Comment: The p.G633S variant (also known as c.1897G>A), located in coding exon 12 of the EPAS1 gene, results from a G to A substitution at nucleotide position 1897. The glycine at codon 633 is replaced by serine, an amino acid with similar properties. This amino acid position is conserved. In addition, the in silico prediction for this alteration is inconclusive. Based on the available evidence, the clinical significance of this variant remains unclear.